The following is an entry in ClinVar:

ClinVar aggregate classification (germline): Uncertain significance. Review status: criteria provided, multiple submitters, no conflicts (2 of 4 stars). 2 submissions from 2 submitters: Uncertain significance (2). Last evaluated 2026-06-11.

Conditions:
SLC10A2-related disorder. Also called: SLC10A2-related condition.

Allele frequency attached by ClinVar (database versions not stated): gnomAD exomes below 0.00001; ExAC 0.00001.

Submissions (2):

PreventionGenetics, part of Exact Sciences
Classification: Uncertain significance for SLC10A2-related condition. Last evaluated: 2026-06-11. Review status: criteria provided, single submitter. Criteria: ACMG Guidelines, 2015. Collection method: clinical testing. Allele origin: germline.
Comment: The SLC10A2 c.784A>C variant is predicted to result in the amino acid substitution p.Thr262Pro. To our knowledge, this variant has not been reported in the literature. This variant is reported in 0.0029% of alleles in individuals of Latino descent in gnomAD. At this time, the clinical significance of this variant is uncertain due to the absence of conclusive functional and genetic evidence.

Ambry Genetics
Classification: Uncertain significance. Last evaluated: 2022-12-06. Review status: criteria provided, single submitter. Criteria: Ambry Variant Classification Scheme 2023. Collection method: clinical testing. Allele origin: germline.

NM_000452.3(SLC10A2):c.784A>C (p.Thr262Pro)

Gene: SLC10A2 (solute carrier family 10 member 2; minus strand). Cytogenetic location: 13q33.1.
Variant type: single nucleotide variant.
Coding change: c.784A>C on transcript NM_000452.3 (MANE Select); coding-DNA position 784, A replaced by C.
Protein change: p.Thr262Pro; replaces threonine 262 with proline.
Molecular consequence: missense variant.
Genome position (GRCh38, 1-based): chr13:103,049,424, T>G on the plus strand (A>C on the coding strand, the complement: SLC10A2 is on the minus strand). VCF-style: chr13-103049424-T-G. GRCh37 (hg19) VCF-style: chr13-103701774-T-G.
Other names: short protein forms T262P.
Identifiers: ClinVar variation 2333199 (VCV002333199.3), dbSNP rs777892963, ClinGen allele CA7042046.